The following is an entry in ClinVar:

ClinVar aggregate classification (germline): Likely benign (0 of 4 stars; one submission).

Conditions:
TUBGCP6-related disorder. Also called: TUBGCP6-related condition.

gnomAD v4.1: 3 of 1,613,690 alleles (0.00019%); highest among the groups gnomAD compares: African/African-American, 0.0027%; no homozygotes.

Submission:

PreventionGenetics, part of Exact Sciences
Classification: Likely benign for TUBGCP6-related condition. Last evaluated: 2021-04-02. Review status: no assertion criteria provided. Collection method: clinical testing. Allele origin: germline.
Comment: This variant is classified as likely benign based on ACMG/AMP sequence variant interpretation guidelines (Richards et al. 2015 PMID: 25741868, with internal and published modifications).

NM_020461.4(TUBGCP6):c.4872C>T (p.Tyr1624=)

Gene: TUBGCP6 (tubulin gamma complex component 6; minus strand). Cytogenetic location: 22q13.33.
Variant type: single nucleotide variant.
Coding change: c.4872C>T on transcript NM_020461.4 (MANE Select); coding-DNA position 4872, C replaced by T.
Protein change: p.Tyr1624=; no amino-acid change (tyrosine 1624 retained).
Molecular consequence: synonymous variant.
Genome position (GRCh38, 1-based): chr22:50,218,570, G>A on the plus strand (C>T on the coding strand, the complement: TUBGCP6 is on the minus strand). VCF-style: chr22-50218570-G-A. GRCh37 (hg19) VCF-style: chr22-50656999-G-A.
Identifiers: ClinVar variation 3030027 (VCV003030027.2), dbSNP rs766219055, ClinGen allele CA515375452.
Genomic context (GRCh38, chr22:50,218,570, plus strand): 5'-GACGTCCTTGAGCGCCCACATCATGAGCTTCAGCTGCAGCAGGAAGGAGAAGACGCCGCT[G>A]TACTTGCTCACGCAGCCCTCGGTGATGACAATGTTGAGAGGCCAGTCCACCTGCCAGGAG-3'
Protein context (NP_065194.3, residues 1614-1634): IVITEGCVSK[Tyr1624=]SGVFSFLLQL